The following is an entry in ClinVar:

NM_001136472.2(LITAF):c.344C>A (p.Thr115Asn)

Gene: LITAF (lipopolysaccharide induced TNF factor; minus strand). Cytogenetic location: 16p13.13.
Variant type: single nucleotide variant.
Coding change: c.344C>A on transcript NM_001136472.2 (MANE Select); coding-DNA position 344, C replaced by A.
Protein change: p.Thr115Asn; replaces threonine 115 with asparagine.
Molecular consequence: missense variant. On other transcripts: non-coding transcript variant (1).
Genome position (GRCh38, 1-based): chr16:11,553,566, G>T on the plus strand (C>A on the coding strand, the complement: LITAF is on the minus strand). VCF-style: chr16-11553566-G-T. GRCh37 (hg19) VCF-style: chr16-11647422-G-T.
Other names: c.344C>A, p.Thr115Asn (NM_001136473.1, NM_004862.4); short protein forms T115N.
Identifiers: ClinVar variation 6058 (VCV000006058.15), dbSNP rs104894520, ClinGen allele CA340511.

ClinVar aggregate classification (germline): Pathogenic/Likely pathogenic. Review status: criteria provided, multiple submitters, no conflicts (2 of 4 stars). 5 submissions from 5 submitters: Pathogenic (2); Likely pathogenic (1). 2 of the submissions do not count toward it. Last evaluated 2025-11-03.

Conditions:
Charcot-Marie-Tooth disease type 1C. Also called: HMSN IC; CHARCOT-MARIE-TOOTH DISEASE, DEMYELINATING, TYPE 1C; Charcot-Marie-Tooth disease, type IC; CMT, SLOW NERVE CONDUCTION TYPE C; CHARCOT-MARIE-TOOTH NEUROPATHY, TYPE 1C; NEUROPATHY, HEREDITARY MOTOR AND SENSORY, TYPE IC. Identifiers: Orphanet 101083, MedGen C0270913, MONDO:0010995, OMIM 601098.

Submissions (5):

Labcorp Genetics (formerly Invitae), Labcorp
Classification: Likely pathogenic for Charcot-Marie-Tooth disease type 1C. Last evaluated: 2025-11-03. Review status: criteria provided, single submitter. Criteria: Invitae Variant Classification Sherloc (09022015). Collection method: clinical testing. Allele origin: germline.
Comment: This sequence change replaces threonine, which is neutral and polar, with asparagine, which is neutral and polar, at codon 115 of the LITAF protein (p.Thr115Asn). This variant is not present in population databases (gnomAD no frequency). This missense change has been observed in individuals with clinical features of Charcot-Marie-Tooth disease (PMID: 12525712; internal data). ClinVar contains an entry for this variant (Variation ID: 6058). An algorithm developed to predict the effect of missense changes on protein structure and function (PolyPhen-2) suggests that this variant is likely to be disruptive. Experimental studies have shown that this missense change affects LITAF function (PMID: 23576546, 25058650, 25963657). In summary, the currently available evidence indicates that the variant is pathogenic, but additional data are needed to prove that conclusively. Therefore, this variant has been classified as Likely Pathogenic.

GeneDx
Classification: Pathogenic. Last evaluated: 2024-04-01. Review status: criteria provided, single submitter. Criteria: GeneDx Variant Classification Process June 2021. Collection method: clinical testing. Allele origin: germline. Affected: yes.
Comment: Not observed at significant frequency in large population cohorts (gnomAD); Published functional studies suggest a damaging effect on exosome production (PMID: 23576546); In silico analysis supports that this missense variant has a deleterious effect on protein structure/function; This variant is associated with the following publications: (PMID: 25963657, 25058650, 12525712, 23576546)

Athena Diagnostics
Classification: Pathogenic. Last evaluated: 2018-11-07. Review status: criteria provided, single submitter. Criteria: Athena Diagnostics Criteria. Collection method: clinical testing. Allele origin: germline.
Comment: Not found in the total gnomAD dataset, and the data is high quality (0/282336 chr). Predicted to have a damaging effect on the protein. Damaging to protein function(s) relevant to disease mechanism. Very strong co-segregation with disease in affected and unaffected individuals, but from a single family.

OMIM
Classification: Pathogenic for CHARCOT-MARIE-TOOTH DISEASE, TYPE 1C. Last evaluated: 2003-01-14. Review status: no assertion criteria provided. Collection method: literature only. Allele origin: germline. Not counted in ClinVar's aggregate classification.

GeneReviews
No classification provided. Condition: Charcot-Marie-Tooth disease type 1C. Review status: no classification provided. Collection method: literature only. Allele origin: unknown. Not counted in ClinVar's aggregate classification.

Literature cited by the submitters: PubMed 12525712 (cited by 3 submitters); PubMed 23576546 (cited by Labcorp Genetics (formerly Invitae), Labcorp and Athena Diagnostics); PubMed 25058650 (cited by Labcorp Genetics (formerly Invitae), Labcorp and Athena Diagnostics); PubMed 25963657 (cited by Labcorp Genetics (formerly Invitae), Labcorp and Athena Diagnostics); PubMed 1407588 (cited by Athena Diagnostics and OMIM); PubMed 2239969 (cited by Athena Diagnostics and OMIM); PubMed 16118794 (cited by Athena Diagnostics); PubMed 20301384 (cited by GeneReviews); NCBI Bookshelf NBK1205 (cited by GeneReviews).